The following is an entry in ClinVar:

ClinVar aggregate classification (germline): Uncertain significance (1 of 4 stars; one submission).

Conditions:
Hereditary cancer-predisposing syndrome. Also called: Hereditary Cancer Syndrome; Hereditary neoplastic syndrome; Neoplastic Syndromes, Hereditary; Tumor predisposition. Identifiers: Orphanet 140162, MedGen C0027672, MeSH D009386, MONDO:0015356.

gnomAD v4.1: 1 of 1,569,488 alleles (0.000064%); highest among the groups gnomAD compares: South Asian, 0.0012%; no homozygotes.

Submission:

Ambry Genetics
Classification: Uncertain significance for Hereditary cancer-predisposing syndrome. Last evaluated: 2025-09-02. Review status: criteria provided, single submitter. Criteria: Ambry Variant Classification Scheme 2023. Collection method: clinical testing. Allele origin: germline.
Comment: The p.V6A variant (also known as c.17T>C), located in coding exon 1 of the EPCAM gene, results from a T to C substitution at nucleotide position 17. The valine at codon 6 is replaced by alanine, an amino acid with similar properties. This amino acid position is conserved. In addition, this alteration is predicted to be tolerated by in silico analysis. Based on the available evidence, the clinical significance of this variant remains unclear.

NM_002354.3(EPCAM):c.17T>C (p.Val6Ala)

Gene: EPCAM (epithelial cell adhesion molecule; plus strand). Cytogenetic location: 2p21.
Variant type: single nucleotide variant.
Coding change: c.17T>C on transcript NM_002354.3 (MANE Select); coding-DNA position 17, T replaced by C.
Protein change: p.Val6Ala; replaces valine 6 with alanine.
Molecular consequence: missense variant.
Genome position (GRCh38, 1-based): chr2:47,369,522, T>C. VCF-style: chr2-47369522-T-C. GRCh37 (hg19) VCF-style: chr2-47596661-T-C.
Other names: short protein forms V6A.
Identifiers: ClinVar variation 4249694 (VCV004249694.1).
Genomic context (GRCh38, chr2:47,369,522, plus strand): 5'-GTCCCGGGCCCCTCCCGCGCCCCTCTTCTCGGCGCGCGCGCAGCATGGCGCCCCCGCAGG[T>C]CCTCGCGTTCGGGCTTCTGCTTGCCGCGGCGACGGCGACTTTTGCCGCAGCTCAGGAAGG-3'
Protein context (NP_002345.2, residues 1-16): MAPPQ[Val6Ala]LAFGLLLAAA